The following is an entry in ClinVar:

ClinVar aggregate classification (germline): Conflicting classifications of pathogenicity. Review status: criteria provided, conflicting classifications (1 of 4 stars). 2 submissions from 2 submitters: Uncertain significance (1); Likely benign (1). Last evaluated 2025-07-22.

Conditions:
TTN-related disorder. Also called: TTN-related disorders; TTN-related condition; TTN-related disease.

Allele frequency attached by ClinVar (database versions not stated): gnomAD 0.00001; TOPMed 0.00002; ExAC 0.00003; gnomAD exomes 0.00004.
gnomAD v4.1: 62 of 1,613,170 alleles (0.0038%); highest among the groups gnomAD compares: Non-Finnish European, 0.0047%; no homozygotes.

Submissions (2):

PreventionGenetics, part of Exact Sciences
Classification: Uncertain significance for TTN-related condition. Last evaluated: 2025-07-22. Review status: criteria provided, single submitter. Criteria: ACMG Guidelines, 2015. Collection method: clinical testing. Allele origin: germline.
Comment: The TTN c.58196G>A variant is predicted to result in the amino acid substitution p.Arg19399Gln. This variant is referred to as c.504942G>A (p.Arg16831Gln) in the alternate transcript NM_133378. This variant has been reported in an individual with a cardiomyopathy (Supplemental Tables, van Lint et al. 2019. PubMed ID: 30847666). This variant is reported in 0.011% of alleles in individuals of East Asian descent in gnomAD. At this time, the clinical significance of this variant is uncertain due to the absence of conclusive functional and genetic evidence.

GeneDx
Classification: Likely benign. Last evaluated: 2020-05-26. Review status: criteria provided, single submitter. Criteria: GeneDx Variant Classification Process June 2021. Collection method: clinical testing. Allele origin: germline. Affected: yes.
Comment: See Variant Classification Assertion Criteria.

NM_001267550.2(TTN):c.58196G>A (p.Arg19399Gln)

Genes: TTN (titin; minus strand), TTN-AS1 (TTN antisense RNA 1; plus strand). Cytogenetic location: 2q31.2.
Variant type: single nucleotide variant.
Coding change: c.58196G>A on transcript NM_001267550.2 (MANE Select); coding-DNA position 58196, G replaced by A.
Protein change: p.Arg19399Gln; replaces arginine 19399 with glutamine.
Molecular consequence: missense variant.
Genome position (GRCh38, 1-based): chr2:178,594,197, C>T on the plus strand (G>A on the coding strand, the complement: TTN is on the minus strand). VCF-style: chr2-178594197-C-T. GRCh37 (hg19) VCF-style: chr2-179458924-C-T.
Other names: c.31001G>A, p.Arg10334Gln (NM_003319.4); c.50492G>A, p.Arg16831Gln (NM_133378.4); c.31376G>A, p.Arg10459Gln (NM_133432.3); c.31577G>A, p.Arg10526Gln (NM_133437.4); c.53273G>A, p.Arg17758Gln (NM_001256850.1); short protein forms R10334Q, R10459Q, R10526Q, R16831Q, R17758Q, R19399Q.
Identifiers: ClinVar variation 1678843 (VCV001678843.3), dbSNP rs759893392, ClinGen allele CA1992897.